The following is an entry in ClinVar:

NM_001379500.1(COL18A1):c.3387C>T (p.Pro1129=)

Genes: COL18A1 (collagen type XVIII alpha 1 chain; plus strand), SLC19A1 (solute carrier family 19 member 1; minus strand). Cytogenetic location: 21q22.3.
Variant type: single nucleotide variant.
Coding change: c.3387C>T on transcript NM_001379500.1 (MANE Select); coding-DNA position 3387, C replaced by T.
Protein change: p.Pro1129=; no amino-acid change (proline 1129 retained).
Molecular consequence: synonymous variant.
Genome position (GRCh38, 1-based): chr21:45,509,493, C>T. VCF-style: chr21-45509493-C-T. GRCh37 (hg19) VCF-style: chr21-46929407-C-T.
Other names: c.3918C>T (NM_030582.3); c.3918C>T, p.Pro1306= (NM_030582.4); c.4623C>T, p.Pro1541= (NM_130444.3).
Identifiers: ClinVar variation 2992996 (VCV002992996.4), dbSNP rs377093259, ClinGen allele CA321923462.

ClinVar aggregate classification (germline): Likely benign. Review status: criteria provided, multiple submitters, no conflicts (2 of 4 stars). 2 submissions from 2 submitters: Likely benign (2). Last evaluated 2024-12-05.

Conditions:
COL18A1-related disorder. Also called: COL18A1-related condition; COL18A1-related disorders.

Allele frequency attached by ClinVar (database versions not stated): gnomAD 0.00001; TOPMed 0.00001; ESP Exome Variant Server 0.00010.
gnomAD v4.1: 14 of 1,528,962 alleles (0.00092%); highest among the groups gnomAD compares: East Asian, 0.014%; no homozygotes.

Submissions (2):

PreventionGenetics, part of Exact Sciences
Classification: Likely benign for COL18A1-related condition. Last evaluated: 2024-12-05. Review status: criteria provided, single submitter. Criteria: ACMG Guidelines, 2015. Collection method: clinical testing. Allele origin: germline.
Comment: This variant is classified as likely benign based on ACMG/AMP sequence variant interpretation guidelines (Richards et al. 2015 PMID: 25741868, with internal and published modifications).

Labcorp Genetics (formerly Invitae), Labcorp
Classification: Likely benign. Last evaluated: 2023-01-21. Review status: criteria provided, single submitter. Criteria: Invitae Variant Classification Sherloc (09022015). Collection method: clinical testing. Allele origin: germline.